The following is an entry in ClinVar:

NM_032447.5(FBN3):c.270C>T (p.Cys90=)

Gene: FBN3 (fibrillin 3; minus strand). Cytogenetic location: 19p13.2.
Variant type: single nucleotide variant.
Coding change: c.270C>T on transcript NM_032447.5 (MANE Select); coding-DNA position 270, C replaced by T.
Protein change: p.Cys90=; no amino-acid change (cysteine 90 retained).
Molecular consequence: synonymous variant.
Genome position (GRCh38, 1-based): chr19:8,146,206, G>A on the plus strand (C>T on the coding strand, the complement: FBN3 is on the minus strand). VCF-style: chr19-8146206-G-A. GRCh37 (hg19) VCF-style: chr19-8211090-G-A.
Other names: c.270C>T, p.Cys90= (NM_001321431.2); c.270C>T (NM_001321431.1).
Identifiers: ClinVar variation 2722350 (VCV002722350.5), dbSNP rs373628265, ClinGen allele CA9153777.

ClinVar aggregate classification (germline): Likely benign. Review status: criteria provided, single submitter (1 of 4 stars). 2 submissions from 2 submitters: Likely benign (1). 1 of the submissions does not count toward it. Last evaluated 2023-10-23.

Conditions:
FBN3-related disorder. Also called: FBN3-related condition.

Allele frequency attached by ClinVar (database versions not stated): gnomAD exomes 0.00004; 1000 Genomes Project 30x 0.00016; ExAC 0.00017; 1000 Genomes Project 0.00020; TOPMed 0.00026; gnomAD 0.00027; ESP Exome Variant Server 0.00038.
gnomAD v4.1: 100 of 1,597,358 alleles (0.0063%); highest among the groups gnomAD compares: African/African-American, 0.11%; no homozygotes.

Submissions (2):

Labcorp Genetics (formerly Invitae), Labcorp
Classification: Likely benign. Last evaluated: 2023-10-23. Review status: criteria provided, single submitter. Criteria: Invitae Variant Classification Sherloc (09022015). Collection method: clinical testing. Allele origin: germline.

PreventionGenetics, part of Exact Sciences
Classification: Likely benign for FBN3-related condition. Last evaluated: 2019-03-22. Review status: no assertion criteria provided. Collection method: clinical testing. Allele origin: germline. Not counted in ClinVar's aggregate classification.
Comment: This variant is classified as likely benign based on ACMG/AMP sequence variant interpretation guidelines (Richards et al. 2015 PMID: 25741868, with internal and published modifications).